The following is an entry in ClinVar:

NM_006995.5(BTN2A2):c.57G>A (p.Leu19=)

Gene: BTN2A2 (butyrophilin subfamily 2 member A2; plus strand). Cytogenetic location: 6p22.2.
Variant type: single nucleotide variant.
Coding change: c.57G>A on transcript NM_006995.5 (MANE Select); coding-DNA position 57, G replaced by A.
Protein change: p.Leu19=; no amino-acid change (leucine 19 retained).
Molecular consequence: synonymous variant.
Genome position (GRCh38, 1-based): chr6:26,383,878, G>A. VCF-style: chr6-26383878-G-A. GRCh37 (hg19) VCF-style: chr6-26384106-G-A.
Other names: c.57G>A, p.Leu19= (NM_001197237.2, NM_001197238.2, NM_001197239.2 and 2 more transcripts).
Identifiers: ClinVar variation 3057121 (VCV003057121.2), dbSNP rs115247877, ClinGen allele CA3672310.
Genomic context (GRCh38, chr6:26,383,878, plus strand): 5'-GCTCATGGAACCAGCTGCTGCTCTGCACTTCTCCCTGCCAGCCTCCCTCCTCCTCCTCCT[G>A]CTCCTCCTCCTTCTCAGCCTGTGTGCACTGGTCTCAGGTAGGGATGTGTGTCACTTGCTG-3'
Protein context (NP_008926.2, residues 9-29): FSLPASLLLL[Leu19=]LLLLLSLCAL

ClinVar aggregate classification (germline): Benign (0 of 4 stars; one submission).

Conditions:
BTN2A2-related disorder. Also called: BTN2A2-related condition.

Allele frequency attached by ClinVar (database versions not stated): 1000 Genomes Project 30x 0.00796; 1000 Genomes Project 0.00859; ESP Exome Variant Server 0.00892; TOPMed 0.01152; gnomAD exomes 0.01226.
gnomAD v4.1: 19,557 of 1,613,780 alleles (1.2%); highest among the groups gnomAD compares: Middle Eastern, 2.1%; 159 homozygotes.

Submission:

PreventionGenetics, part of Exact Sciences
Classification: Benign for BTN2A2-related condition. Last evaluated: 2019-04-29. Review status: no assertion criteria provided. Collection method: clinical testing. Allele origin: germline.
Comment: This variant is classified as benign based on ACMG/AMP sequence variant interpretation guidelines (Richards et al. 2015 PMID: 25741868, with internal and published modifications).